The following is an entry in ClinVar:

ClinVar aggregate classification (germline): Uncertain significance (1 of 4 stars; one submission).

Submission:

CeGaT Center for Human Genetics Tuebingen
Classification: Uncertain significance. Last evaluated: 2024-07-01. Review status: criteria provided, single submitter. Criteria: CeGaT Center For Human Genetics Tuebingen Variant Classification Criteria Version 2. Collection method: clinical testing. Allele origin: germline. Affected: yes. Observed: 1 variant allele.
Comment: KCNK3: PM2, PP2

NM_002246.3(KCNK3):c.763A>G (p.Lys255Glu)

Gene: KCNK3 (potassium two pore domain channel subfamily K member 3; plus strand). Cytogenetic location: 2p23.3.
Variant type: single nucleotide variant.
Coding change: c.763A>G on transcript NM_002246.3 (MANE Select); coding-DNA position 763, A replaced by G.
Protein change: p.Lys255Glu; replaces lysine 255 with glutamic acid.
Molecular consequence: missense variant.
Genome position (GRCh38, 1-based): chr2:26,728,146, A>G. VCF-style: chr2-26728146-A-G. GRCh37 (hg19) VCF-style: chr2-26951014-A-G.
Other names: short protein forms K255E.
Identifiers: ClinVar variation 3257560 (VCV003257560.17).